The following is an entry in ClinVar:

NM_000535.7(PMS2):c.11C>G (p.Ala4Gly)

Gene: PMS2 (PMS1 homolog 2, mismatch repair system component; minus strand). Cytogenetic location: 7p22.1.
Variant type: single nucleotide variant.
Coding change: c.11C>G on transcript NM_000535.7 (MANE Select); coding-DNA position 11, C replaced by G.
Protein change: p.Ala4Gly; replaces alanine 4 with glycine.
Molecular consequence: missense variant. On other transcripts: 5 prime UTR variant (11), non-coding transcript variant (1).
Genome position (GRCh38, 1-based): chr7:6,009,009, G>C on the plus strand (C>G on the coding strand, the complement: PMS2 is on the minus strand). VCF-style: chr7-6009009-G-C. GRCh37 (hg19) VCF-style: chr7-6048640-G-C.
Other names: c.-390C>G (NM_001322003.2, NM_001322013.2); c.-255C>G (NM_001322004.2, NM_001322010.2); c.-585C>G (NM_001322005.2); c.11C>G, p.Ala4Gly (NM_001322006.2, NM_001322014.2); c.-205C>G (NM_001322007.2); c.-65C>G (NM_001322008.2); c.-580C>G (NM_001322009.2); c.-874C>G (NM_001322011.2); and 2 more; short protein forms A4G.
Identifiers: ClinVar variation 232589 (VCV000232589.64), dbSNP rs745361721, ClinGen allele CA042517.

ClinVar aggregate classification (germline): Conflicting classifications of pathogenicity. Review status: criteria provided, conflicting classifications (1 of 4 stars). 16 submissions from 16 submitters: Likely pathogenic (1); Uncertain significance (13). 2 of the submissions do not count toward it. Last evaluated 2026-08-18.

Conditions:
Hereditary nonpolyposis colorectal neoplasms. Identifiers: MedGen C0009405, MeSH D003123.
PMS2-related disorder. Also called: PMS2-related condition.
Hereditary cancer-predisposing syndrome. Also called: Neoplastic Syndromes, Hereditary; Hereditary Cancer Syndrome; Tumor predisposition; Hereditary neoplastic syndrome. Identifiers: Orphanet 140162, MedGen C0027672, MeSH D009386, MONDO:0015356.
Lynch syndrome. Identifiers: Orphanet 144, MedGen C4552100, MONDO:0005835. Disease mechanism: loss of function.
Lynch syndrome 4 (LYNCH4). Also called: Colorectal cancer, hereditary nonpolyposis, type 4; Hereditary non-polyposis colorectal cancer, type 4. Identifiers: Orphanet 144, MedGen C1838333, MONDO:0013699, OMIM 614337. Disease mechanism: loss of function.
Malignant tumor of breast. Also called: Malignant breast neoplasm; Cancer breast. Identifiers: MedGen C0006142, MONDO:0007254. Disease mechanism: loss of function.

Allele frequency attached by ClinVar (database versions not stated): ExAC 0.00001; TOPMed 0.00002; gnomAD 0.00003 and 0.00004.
gnomAD v4.1: 68 of 1,612,458 alleles (0.0042%); highest among the groups gnomAD compares: Non-Finnish European, 0.0057%; no homozygotes.

Submissions 1 to 7 of 16:

PreventionGenetics, part of Exact Sciences
Classification: Uncertain significance for PMS2-related condition. Last evaluated: 2026-08-18. Review status: criteria provided, single submitter. Criteria: ACMG Guidelines, 2015. Collection method: clinical testing. Allele origin: germline.
Comment: The PMS2 c.11C>G variant is predicted to result in the amino acid substitution p.Ala4Gly. This variant has been reported in individuals with various cancers, including breast (Landrith et al. 2020. PubMed ID: 32133419), pancreatic (Supplementary Table 1, Grant et al. 2015. PubMed ID: 25479140), and prostate (Supplementary Table 2, Matejcic et al. 2020. PubMed ID: 32832836). This same amino acid alteration has been reported in an individual with colorectal cancer (Haraldsdottir et al. 2017. PubMed ID: 28466842). This variant has also been identified in controls (Haraldsdottir et al. 2017. PubMed ID: 28466842; Supplementary Data, Dorling et al. 2021. PubMed ID: 33471991). RNA studies indicated this variant led to partial exon 1 skipping in ~37% of transcripts (Landrith et al. 2020. PubMed ID: 32133419). This variant is reported in 0.0029% of alleles in individuals of Latino descent in gnomAD, and it has conflicting classifications in ClinVar ranging from uncertain to likely pathogenic (Variation ID: 232589). At this time, the clinical significance of this variant is uncertain due to the absence of conclusive functional and genetic evidence.

Ambry Genetics
Classification: Likely pathogenic for Hereditary cancer-predisposing syndrome. Last evaluated: 2026-02-09. Review status: criteria provided, single submitter. Criteria: Ambry Variant Classification Scheme 2023. Collection method: clinical testing. Allele origin: germline.
Comment: The c.11C>G (p.A4G) alteration is located in exon 1 (coding exon 1) of the PMS2 gene. This alteration results from a C to G substitution at nucleotide position 11, causing the alanine (A) at amino acid position 4 to be replaced by a glycine (G). Based on data from gnomAD, the G allele has an overall frequency of 0.001% (3/250258) total alleles studied. The highest observed frequency was 0.003% (1/34580) of Latino alleles. This variant was identified in an Icelandic colorectal cancer cohort in an individual with normal mismatch repair protein staining via immunohistochemistry (IHC) and in another individual with MLH1 promoter hypermethylation, but the nucleotide numbering for this variant was not provided (Haraldsdottir, 2017). This variant was also identified in an individual diagnosed with pancreatic cancer (Grant, 2015). Additionally, this variant was identified in a cohort of 3,579 African males diagnosed with prostate cancer who underwent multi-gene panel testing of 19 DNA repair and cancer predisposition genes (Matejcic, 2020). This variant was also detected in a study of 1,165 individuals with a history of colorectal cancer or colon polyps as well as 590 controls (Gordon, 2019). This nucleotide position is well conserved in available vertebrate species. RNA studies have demonstrated this alteration results in abnormal splicing in the set of samples tested (Ambry internal data). In silico splice site analysis predicts that this alteration will result in the creation or strengthening of a novel splice donor site. Based on the available evidence, this alteration is classified as likely pathogenic.

Labcorp Genetics (formerly Invitae), Labcorp
Classification: Uncertain significance for Hereditary nonpolyposis colorectal neoplasms. Last evaluated: 2026-01-21. Review status: criteria provided, single submitter. Criteria: Invitae Variant Classification Sherloc (09022015). Collection method: clinical testing. Allele origin: germline.
Comment: This sequence change replaces alanine, which is neutral and non-polar, with glycine, which is neutral and non-polar, at codon 4 of the PMS2 protein (p.Ala4Gly). RNA analysis indicates that this missense change induces altered splicing and may result in an absent or altered protein product. This variant is present in population databases (rs745361721, gnomAD 0.003%). This missense change has been observed in individual(s) with colorectal cancer and pancreatic cancer (PMID: 25479140, 28466842, 37937776). ClinVar contains an entry for this variant (Variation ID: 232589). Invitae Evidence Modeling of protein sequence and biophysical properties (such as structural, functional, and spatial information, amino acid conservation, physicochemical variation, residue mobility, and thermodynamic stability) indicates that this missense variant is not expected to disrupt PMS2 protein function with a negative predictive value of 95%. Studies have shown that this missense change results in partial exon 1 deletion, and produces a non-functional protein and/or introduces a premature termination codon (internal data). In summary, the available evidence is currently insufficient to determine the role of this variant in disease. Therefore, it has been classified as a Variant of Uncertain Significance.

Quest Diagnostics Nichols Institute San Juan Capistrano
Classification: Uncertain significance. Last evaluated: 2025-06-05. Review status: criteria provided, single submitter. Criteria: Quest Diagnostics criteria. Collection method: clinical testing. Allele origin: unknown.
Comment: The PMS2 c.11C>G (p.Ala4Gly) variant has been reported in the published literature in individuals with colorectal cancer (PMID: 31422818 (2019), 28466842 (2017)), breast cancer (PMID: 32133419 (2020), 35884425 (2022), 33471991 (2021), see also LOVD), pancreatic cancer (PMID: 25479140 (2015)), and lung cancer (PMID: 31488816 (2019)). This variant has also been observed in a reportedly unaffected individual in a large scale breast cancer association study (PMID: 33471991 (2021), see also LOVD). The frequency of this variant in the general population (Genome Aggregation Database) is uninformative in the assessment of its pathogenicity. Analysis of this variant using bioinformatics tools for the prediction of the effect of amino acid changes on protein structure and function yielded conflicting predictions that this variant is deleterious or benign. Based on the available information, we are unable to determine the clinical significance of this variant.

All of Us Research Program, National Institutes of Health
Classification: Uncertain significance for Lynch syndrome. Last evaluated: 2024-08-06. Review status: criteria provided, single submitter. Criteria: ACMG Guidelines, 2015. Collection method: clinical testing. Allele origin: germline. Inheritance: Autosomal dominant inheritance. Observed: 3 variant alleles, 3 heterozygotes.
Comment: This missense variant replaces alanine with glycine at codon 4 of the PMS2 protein. Computational prediction tool suggests that this variant may not impact protein structure and function (internally defined REVEL score threshold <= 0.5, PMID: 27666373). Splice site prediction tools suggest that this variant may create an alternative splice donor site 13 basepair upstream of the reference splice donor site, which has been confirmed by an RNA study to affect some RNA transcripts (PMID: 32133419). The aberrant RNA transcript is expected to result in an absent or non-functional protein product. This variant has been reported in an individual affected with colorectal cancer, although the individual was found to also have normal PMS2 protein expression and hypermethylated MLH1 promoter in the tumor (PMID: 28466842). The primary cause of disease in this individual is not clear. This variant has also been reported in individuals affected with pancreatic cancer (PMID: 25479140) and breast cancer (PMID: 32133419). This variant has been identified in 3/250258 chromosomes in the general population by the Genome Aggregation Database (gnomAD). While the experimental data suggest that the variant may impact RNA splicing, the available clinical evidence is insufficient to determine the role of this variant in disease conclusively. Therefore, this variant is classified as a Variant of Uncertain Significance.

This study involves interpretation of variants in research participants for the purpose of population health screening. Participant phenotype was not available at the time of variant classification. Additional details can be found in publication PMID: 35346344, PMCID: PMC8962531

Baylor Genetics
Classification: Uncertain significance for Lynch syndrome 4. Last evaluated: 2024-03-22. Review status: criteria provided, single submitter. Criteria: ACMG Guidelines, 2015. Collection method: clinical testing. Allele origin: unknown.

CeGaT Center for Human Genetics Tuebingen
Classification: Uncertain significance. Last evaluated: 2024-02-01. Review status: criteria provided, single submitter. Criteria: CeGaT Center For Human Genetics Tuebingen Variant Classification Criteria Version 2. Collection method: clinical testing. Allele origin: germline. Affected: yes. Observed: 1 variant allele.
Comment: PMS2: PM2:Supporting, PP3, PS3:Supporting, PS4:Supporting